The following is an entry in ClinVar:

ClinVar aggregate classification (germline): Uncertain significance. Review status: criteria provided, multiple submitters, no conflicts (2 of 4 stars). 2 submissions from 2 submitters: Uncertain significance (2). Last evaluated 2022-11-01.

gnomAD v4.1: 16 of 1,614,102 alleles (0.00099%); highest among the groups gnomAD compares: Non-Finnish European, 0.00034%; no homozygotes.

Submissions (2):

GeneDx
Classification: Uncertain significance. Last evaluated: 2022-11-01. Review status: criteria provided, single submitter. Criteria: GeneDx Variant Classification Process June 2021. Collection method: clinical testing. Allele origin: germline. Affected: yes.
Comment: Not observed at significant frequency in large population cohorts (gnomAD); In silico analysis supports that this missense variant does not alter protein structure/function; Has not been previously published as pathogenic or benign to our knowledge

Labcorp Genetics (formerly Invitae), Labcorp
Classification: Uncertain significance. Last evaluated: 2020-11-12. Review status: criteria provided, single submitter. Criteria: Invitae Variant Classification Sherloc (09022015). Collection method: clinical testing. Allele origin: germline.
Comment: In summary, the available evidence is currently insufficient to determine the role of this variant in disease. Therefore, it has been classified as a Variant of Uncertain Significance. This sequence change replaces threonine with alanine at codon 2386 of the LRP2 protein (p.Thr2386Ala). The threonine residue is weakly conserved and there is a small physicochemical difference between threonine and alanine. This variant is not present in population databases (ExAC no frequency). This variant has not been reported in the literature in individuals with LRP2-related conditions. Advanced modeling of protein sequence and biophysical properties (such as structural, functional, and spatial information, amino acid conservation, physicochemical variation, residue mobility, and thermodynamic stability) performed at Invitae indicates that this missense variant is not expected to disrupt LRP2 protein function. Algorithms developed to predict the effect of sequence changes on RNA splicing suggest that this variant may create or strengthen a splice site, but this prediction has not been confirmed by published transcriptional studies.

NM_004525.3(LRP2):c.7156A>G (p.Thr2386Ala)

Gene: LRP2 (LDL receptor related protein 2; minus strand). Cytogenetic location: 2q31.1.
Variant type: single nucleotide variant.
Coding change: c.7156A>G on transcript NM_004525.3 (MANE Select); coding-DNA position 7156, A replaced by G.
Protein change: p.Thr2386Ala; replaces threonine 2386 with alanine.
Molecular consequence: missense variant.
Genome position (GRCh38, 1-based): chr2:169,206,564, T>C on the plus strand (A>G on the coding strand, the complement: LRP2 is on the minus strand). VCF-style: chr2-169206564-T-C. GRCh37 (hg19) VCF-style: chr2-170063074-T-C.
Other names: c.7156A>G (NM_004525.2); short protein forms T2386A.
Identifiers: ClinVar variation 1352164 (VCV001352164.8), dbSNP rs1026677880, ClinGen allele CA59934003.